The following is an entry in ClinVar:

NM_004088.4(DNTT):c.732A>G (p.Glu244=)

Gene: DNTT (DNA nucleotidylexotransferase; plus strand). Cytogenetic location: 10q24.1.
Variant type: single nucleotide variant.
Coding change: c.732A>G on transcript NM_004088.4 (MANE Select); coding-DNA position 732, A replaced by G.
Protein change: p.Glu244=; no amino-acid change (glutamic acid 244 retained).
Molecular consequence: synonymous variant.
Genome position (GRCh38, 1-based): chr10:96,322,710, A>G. VCF-style: chr10-96322710-A-G. GRCh37 (hg19) VCF-style: chr10-98082467-A-G.
Other names: c.732A>G, p.Glu244= (NM_001017520.2).
Identifiers: ClinVar variation 780050 (VCV000780050.14), dbSNP rs144787508, ClinGen allele CA5623906.

ClinVar aggregate classification (germline): Benign/Likely benign. Review status: criteria provided, multiple submitters, no conflicts (2 of 4 stars). 3 submissions from 3 submitters: Benign (2); Likely benign (1). Last evaluated 2025-06-01.

Allele frequency attached by ClinVar (database versions not stated): 1000 Genomes Project 30x 0.00312; 1000 Genomes Project 0.00359; TOPMed 0.00433; gnomAD 0.00458 and 0.00477; ESP Exome Variant Server 0.00531; gnomAD exomes 0.00584 and 0.00622; ExAC 0.00637.
gnomAD v4.1: 9,704 of 1,600,046 alleles (0.61%); highest among the groups gnomAD compares: Middle Eastern, 1.6%; 55 homozygotes.

Submissions (3):

CeGaT Center for Human Genetics Tuebingen
Classification: Likely benign. Last evaluated: 2025-06-01. Review status: criteria provided, single submitter. Criteria: CeGaT Center For Human Genetics Tuebingen Variant Classification Criteria Version 2. Collection method: clinical testing. Allele origin: germline. Affected: yes. Observed: 1 variant allele.
Comment: DNTT: BP4, BP7, BS2

Labcorp Genetics (formerly Invitae), Labcorp
Classification: Benign. Last evaluated: 2018-03-28. Review status: criteria provided, single submitter. Criteria: Invitae Variant Classification Sherloc (09022015). Collection method: clinical testing. Allele origin: germline.

Breakthrough Genomics
Classification: Benign. Review status: criteria provided, single submitter. Criteria: ACMG Guidelines, 2015. Collection method: not provided. Allele origin: germline. Inheritance: Unknown mechanism. Affected: yes.